The following is an entry in ClinVar:

ClinVar aggregate classification (germline): Conflicting classifications of pathogenicity. Review status: criteria provided, conflicting classifications (1 of 4 stars). 4 submissions from 4 submitters: Uncertain significance (3); Likely benign (1). Last evaluated 2025-12-17.

Conditions:
Hereditary cancer-predisposing syndrome. Also called: Tumor predisposition; Hereditary Cancer Syndrome; Hereditary neoplastic syndrome; Neoplastic Syndromes, Hereditary. Identifiers: Orphanet 140162, MedGen C0027672, MeSH D009386, MONDO:0015356.
Intellectual disability, autosomal dominant 16 (CSS4). Also called: COFFIN-SIRIS SYNDROME 4. Identifiers: Orphanet 1465, MedGen C3553249, MONDO:0013821, OMIM 614609.
Rhabdoid tumor predisposition syndrome 2 (RTPS2). Identifiers: Orphanet 231108, Orphanet 69077, MedGen C2750074, MONDO:0013224, OMIM 613325.

Allele frequency attached by ClinVar (database versions not stated): TOPMed 0.00001; gnomAD 0.00001; gnomAD exomes 0.00001.
gnomAD v4.1: 10 of 1,612,242 alleles (0.00062%); highest among the groups gnomAD compares: Non-Finnish European, 0.00085%; no homozygotes.

Submissions (4):

Labcorp Genetics (formerly Invitae), Labcorp
Classification: Uncertain significance for Rhabdoid tumor predisposition syndrome 2. Last evaluated: 2025-12-17. Review status: criteria provided, single submitter. Criteria: Invitae Variant Classification Sherloc (09022015). Collection method: clinical testing. Allele origin: germline.
Comment: This sequence change replaces threonine, which is neutral and polar, with isoleucine, which is neutral and non-polar, at codon 1458 of the SMARCA4 protein (p.Thr1458Ile). This variant is not present in population databases (gnomAD no frequency). This variant has not been reported in the literature in individuals affected with SMARCA4-related conditions. ClinVar contains an entry for this variant (Variation ID: 486455). An algorithm developed to predict the effect of missense changes on protein structure and function (PolyPhen-2) suggests that this variant is likely to be tolerated. In summary, the available evidence is currently insufficient to determine the role of this variant in disease. Therefore, it has been classified as a Variant of Uncertain Significance.

GeneDx
Classification: Uncertain significance. Last evaluated: 2024-01-21. Review status: criteria provided, single submitter. Criteria: GeneDx Variant Classification Process June 2021. Collection method: clinical testing. Allele origin: germline. Affected: yes.
Comment: Not observed at significant frequency in large population cohorts (gnomAD); In silico analysis supports that this missense variant does not alter protein structure/function; Observed in a patient with isolated Ebstein anomaly (PMID: 27788187); This variant is associated with the following publications: (PMID: 27788187)

Ambry Genetics
Classification: Likely benign for Hereditary cancer-predisposing syndrome. Last evaluated: 2022-12-02. Review status: criteria provided, single submitter. Criteria: Ambry Variant Classification Scheme 2023. Collection method: clinical testing. Allele origin: germline.

Genome-Nilou Lab
Classification: Uncertain significance for Intellectual disability, autosomal dominant 16. Last evaluated: 2021-07-15. Review status: criteria provided, single submitter. Criteria: ACMG Guidelines, 2015. Collection method: clinical testing. Allele origin: germline. Affected: no.

NM_003072.5(SMARCA4):c.4277C>T (p.Thr1426Ile)

Gene: SMARCA4 (SWI/SNF related BAF chromatin remodeling complex subunit ATPase 4; plus strand). Cytogenetic location: 19p13.2.
Variant type: single nucleotide variant.
Coding change: c.4277C>T on transcript NM_003072.5 (MANE Select); coding-DNA position 4277, C replaced by T.
Protein change: p.Thr1426Ile; replaces threonine 1426 with isoleucine.
Molecular consequence: missense variant. On other transcripts: non-coding transcript variant (1).
Genome position (GRCh38, 1-based): chr19:11,041,413, C>T. VCF-style: chr19-11041413-C-T. GRCh37 (hg19) VCF-style: chr19-11152089-C-T.
Other names: c.4277C>T, p.Thr1426Ile (NM_001128844.3); c.4187C>T, p.Thr1396Ile (NM_001128845.2, NM_001128846.2); c.4178C>T, p.Thr1393Ile (NM_001128847.4, NM_001128848.2, NM_001374457.1); c.4373C>T, p.Thr1458Ile (NM_001128849.3, NM_001387283.1); short protein forms T1458I, T1393I, T1426I, T1396I.
Identifiers: ClinVar variation 486455 (VCV000486455.17), dbSNP rs1334955221, ClinGen allele CA404073512.
Genomic context (GRCh38, chr19:11,041,413, plus strand): 5'-AGAAGAAATCATCACGGAAGCGCAAGCGAGACAGCGACGCCGGCTCCTCCACCCCGACCA[C>T]CAGCACCCGCAGCCGCGACAAGGACGACGAGAGCAAGAAGCAGAAGAAGCGCGGGCGGCC-3'
Protein context (NP_003063.2, residues 1416-1436): DSDAGSSTPT[Thr1426Ile]STRSRDKDDE